The following is an entry in ClinVar:

NM_001110556.2(FLNA):c.542C>T (p.Pro181Leu)

Gene: FLNA (filamin A; minus strand). Cytogenetic location: Xq28.
Variant type: single nucleotide variant.
Coding change: c.542C>T on transcript NM_001110556.2 (MANE Select); coding-DNA position 542, C replaced by T.
Protein change: p.Pro181Leu; replaces proline 181 with leucine.
Molecular consequence: missense variant.
Genome position (GRCh38, 1-based): chrX:154,367,922, G>A on the plus strand (C>T on the coding strand, the complement: FLNA is on the minus strand). VCF-style: chrX-154367922-G-A. GRCh37 (hg19) VCF-style: chrX-153596290-G-A.
Other names: p.P181L:CCG>CTG; c.542C>T, p.Pro181Leu (NM_001456.4); short protein forms P181L.
Identifiers: ClinVar variation 213490 (VCV000213490.7), dbSNP rs863223629, ClinGen allele CA320493.

ClinVar aggregate classification (germline): Uncertain significance. Review status: criteria provided, multiple submitters, no conflicts (2 of 4 stars). 2 submissions from 2 submitters: Uncertain significance (2). Last evaluated 2026-08-08.

Conditions:
Oto-palato-digital syndrome, type II (OPD2). Also called: FACIOPALATOOSSEOUS SYNDROME; OPD II SYNDROME; Otopalatodigital Syndrome Type 2 (FLNA-OPD2); Otopalatodigital Syndrome, Type II. Identifiers: Orphanet 669, Orphanet 90652, MedGen C1844696, MONDO:0010571, OMIM 304120.
Frontometaphyseal dysplasia (FMD1). Identifiers: Orphanet 1826, MedGen C0265293, MONDO:0015942.
Heterotopia, periventricular, X-linked dominant (PVNH1). Also called: PERIVENTRICULAR NODULAR HETEROTOPIA 1; X-linked periventricular heterotopia; PERIVENTRICULAR NODULAR HETEROTOPIA 4; HETEROTOPIA, PERIVENTRICULAR, 1. Identifiers: Orphanet 2149, Orphanet 82004, MedGen C1848213, MONDO:0010233, OMIM 300049.
Melnick-Needles syndrome (MNS). Also called: MELNICK-NEEDLES OSTEODYSPLASTY; OSTEODYSPLASTY OF MELNICK AND NEEDLES; Melnick-Needles Syndrome (FLNA-MNS). Identifiers: Orphanet 2484, MedGen C0025237, MONDO:0010650, OMIM 309350.

Submissions (2):

GeneDx
Classification: Uncertain significance. Last evaluated: 2026-08-08. Review status: criteria provided, single submitter. Criteria: GeneDx Variant Classification Process June 2021. Collection method: clinical testing. Allele origin: germline.
Comment: Not observed at significant frequency in large population cohorts (gnomAD); In silico analysis supports that this missense variant has a deleterious effect on protein structure/function; Has not been previously published as pathogenic or benign to our knowledge

Labcorp Genetics (formerly Invitae), Labcorp
Classification: Uncertain significance for Oto-palato-digital syndrome, type II; Heterotopia, periventricular, X-linked dominant; Frontometaphyseal dysplasia; Melnick-Needles syndrome. Last evaluated: 2024-09-27. Review status: criteria provided, single submitter. Criteria: Invitae Variant Classification Sherloc (09022015). Collection method: clinical testing. Allele origin: germline.
Comment: This sequence change replaces proline, which is neutral and non-polar, with leucine, which is neutral and non-polar, at codon 181 of the FLNA protein (p.Pro181Leu). This variant is not present in population databases (gnomAD no frequency). This variant has not been reported in the literature in individuals affected with FLNA-related conditions. ClinVar contains an entry for this variant (Variation ID: 213490). Invitae Evidence Modeling of protein sequence and biophysical properties (such as structural, functional, and spatial information, amino acid conservation, physicochemical variation, residue mobility, and thermodynamic stability) indicates that this missense variant is expected to disrupt FLNA protein function with a positive predictive value of 80%. In summary, the available evidence is currently insufficient to determine the role of this variant in disease. Therefore, it has been classified as a Variant of Uncertain Significance.